The following is an entry in ClinVar:

NM_199420.4(POLQ):c.1322C>A (p.Ala441Glu)

Gene: POLQ (DNA polymerase theta; minus strand). Cytogenetic location: 3q13.33.
Variant type: single nucleotide variant.
Coding change: c.1322C>A on transcript NM_199420.4 (MANE Select); coding-DNA position 1322, C replaced by A.
Protein change: p.Ala441Glu; replaces alanine 441 with glutamic acid.
Molecular consequence: missense variant.
Genome position (GRCh38, 1-based): chr3:121,520,017, G>T on the plus strand (C>A on the coding strand, the complement: POLQ is on the minus strand). VCF-style: chr3-121520017-G-T. GRCh37 (hg19) VCF-style: chr3-121238864-G-T.
Other names: short protein forms A441E.
Identifiers: ClinVar variation 1769932 (VCV001769932.2), dbSNP rs748083789, ClinGen allele CA354119703.
Genomic context (GRCh38, chr3:121,520,017, plus strand): 5'-GTTCGAATAATCACACGACGTGCAGGTAAATTCACCCCAGAAGAAAGAGTAGAAGTTGCC[G>T]CCAAGACCCGAATGAGACCTTGACGAAAGGCTCCTTCAATGATATCCCTCTCCTCAAAAG-3'
Protein context (NP_955452.3, residues 431-451): AFRQGLIRVL[Ala441Glu]ATSTLSSGVN

ClinVar aggregate classification (germline): Uncertain significance (1 of 4 stars; one submission).

gnomAD v4.1: 2 of 1,613,106 alleles (0.00012%); highest among the groups gnomAD compares: Admixed American, 0.0017%; no homozygotes.

Submission:

Ambry Genetics
Classification: Uncertain significance. Last evaluated: 2023-10-25. Review status: criteria provided, single submitter. Criteria: Ambry Variant Classification Scheme 2023. Collection method: clinical testing. Allele origin: germline.
Comment: The p.A441E variant (also known as c.1322C>A), located in coding exon 9 of the POLQ gene, results from a C to A substitution at nucleotide position 1322. The alanine at codon 441 is replaced by glutamic acid, an amino acid with dissimilar properties. This amino acid position is conserved. In addition, the in silico prediction for this alteration is inconclusive. Since supporting evidence is limited at this time, the clinical significance of this alteration remains unclear.